The following is an entry in ClinVar:

ClinVar aggregate classification (germline): Conflicting classifications of pathogenicity. Review status: criteria provided, conflicting classifications (1 of 4 stars). 3 submissions from 3 submitters: Likely pathogenic (1); Uncertain significance (2). Last evaluated 2026-01-08.

Conditions:
Retinal disorder. Also called: Retinopathies; Retinal Diseases; Retinopathy; Retinal disorders. Identifiers: MedGen C0035309, MONDO:0005283, HP:0000488.

Submissions (3):

Genetics Laboratory, Great Ormond Street Hospital NHS Foundation Trust, North Thames Genomic Laboratory Hub
Classification: Likely pathogenic for Retinal disorders. Last evaluated: 2026-01-08. Review status: criteria provided, single submitter. Criteria: ACGS Best Practice Guidelines for Variant Classification in Rare Disease 2024 v1.2. Collection method: clinical testing. Allele origin: germline. Affected: yes.
Comment: PS4_supporting, PM2_moderate, PP3_supporting, PM5_moderate

Blueprint Genetics
Classification: Uncertain significance. Last evaluated: 2024-06-24. Review status: criteria provided, single submitter. Criteria: ACMG Guidelines, 2015. Collection method: clinical testing. Allele origin: germline.

Labcorp Genetics (formerly Invitae), Labcorp
Classification: Uncertain significance. Last evaluated: 2021-12-24. Review status: criteria provided, single submitter. Criteria: Invitae Variant Classification Sherloc (09022015). Collection method: clinical testing. Allele origin: germline.
Comment: In summary, the available evidence is currently insufficient to determine the role of this variant in disease. Therefore, it has been classified as a Variant of Uncertain Significance. This variant disrupts the p.Cys116 amino acid residue in GPR143. Other variant(s) that disrupt this residue have been determined to be pathogenic (PMID: 17960122; Invitae). This suggests that this residue is clinically significant, and that variants that disrupt this residue are likely to be disease-causing. Algorithms developed to predict the effect of missense changes on protein structure and function are either unavailable or do not agree on the potential impact of this missense change (SIFT: "Deleterious"; PolyPhen-2: "Probably Damaging"; Align-GVGD: "Class C0"). This variant has not been reported in the literature in individuals affected with GPR143-related conditions. This variant is not present in population databases (gnomAD no frequency). This sequence change replaces cysteine, which is neutral and slightly polar, with tyrosine, which is neutral and polar, at codon 116 of the GPR143 protein (p.Cys116Tyr).

Literature cited by the submitters: PubMed 17960122 (cited by Labcorp Genetics (formerly Invitae), Labcorp).

NM_000273.3(GPR143):c.347G>A (p.Cys116Tyr)

Gene: GPR143 (G protein-coupled receptor 143; minus strand). Cytogenetic location: Xp22.2.
Variant type: single nucleotide variant.
Coding change: c.347G>A on transcript NM_000273.3 (MANE Select); coding-DNA position 347, G replaced by A.
Protein change: p.Cys116Tyr; replaces cysteine 116 with tyrosine.
Molecular consequence: missense variant.
Genome position (GRCh38, 1-based): chrX:9,760,730, C>T on the plus strand (G>A on the coding strand, the complement: GPR143 is on the minus strand). VCF-style: chrX-9760730-C-T. GRCh37 (hg19) VCF-style: chrX-9728770-C-T.
Other names: short protein forms C116Y.
Identifiers: ClinVar variation 1504482 (VCV001504482.7), dbSNP rs62635029, ClinGen allele CA411999053.